The following is an entry in ClinVar:

ClinVar aggregate classification (germline): Uncertain significance (1 of 4 stars; one submission).

Submission:

Ambry Genetics
Classification: Uncertain significance. Last evaluated: 2023-12-08. Review status: criteria provided, single submitter. Criteria: Ambry Variant Classification Scheme 2023. Collection method: clinical testing. Allele origin: germline.
Comment: The p.M124K variant (also known as c.371T>A), located in coding exon 1 of the PALLD gene, results from a T to A substitution at nucleotide position 371. The methionine at codon 124 is replaced by lysine, an amino acid with similar properties. This amino acid position is conserved. In addition, this alteration is predicted to be tolerated by in silico analysis. Since supporting evidence is limited at this time, the clinical significance of this alteration remains unclear.

NM_001166108.2(PALLD):c.371T>A (p.Met124Lys)

Gene: PALLD (palladin, cytoskeletal associated protein; plus strand). Cytogenetic location: 4q32.3.
Variant type: single nucleotide variant.
Coding change: c.371T>A on transcript NM_001166108.2 (MANE Select); coding-DNA position 371, T replaced by A.
Protein change: p.Met124Lys; replaces methionine 124 with lysine.
Molecular consequence: missense variant.
Genome position (GRCh38, 1-based): chr4:168,511,875, T>A. VCF-style: chr4-168511875-T-A. GRCh37 (hg19) VCF-style: chr4-169433026-T-A.
Other names: c.371T>A, p.Met124Lys (NM_016081.4); short protein forms M124K.
Identifiers: ClinVar variation 1734281 (VCV001734281.2), dbSNP rs570015259, ClinGen allele CA109883006.